The following is an entry in ClinVar:

NM_001170629.2(CHD8):c.4921+5G>A

Gene: CHD8 (chromodomain helicase DNA binding protein 8; minus strand). Cytogenetic location: 14q11.2.
Variant type: single nucleotide variant.
Coding change: c.4921+5G>A on transcript NM_001170629.2 (MANE Select); 5 bases into the intron after coding-DNA position 4921, G replaced by A.
Molecular consequence: intron variant.
Genome position (GRCh38, 1-based): chr14:21,399,597, C>T on the plus strand (G>A on the coding strand, the complement: CHD8 is on the minus strand). VCF-style: chr14-21399597-C-T. GRCh37 (hg19) VCF-style: chr14-21867756-C-T.
Other names: c.4084+5G>A (NM_020920.4).
Identifiers: ClinVar variation 195864 (VCV000195864.21), dbSNP rs377595194, ClinGen allele CA242531.
Genomic context (GRCh38, chr14:21,399,597, plus strand): 5'-TAAATGTTCCATCCGTGAACATAAATCTTCAGTCGGAAAGGAGTAGAATAGGAGAAGATA[C>T]GTACCATGTTTAAAGACTCCAATGAGCAGCGACTTGTCAGCCTCACTGTCCCACCAAGTT-3'

ClinVar aggregate classification (germline): Conflicting classifications of pathogenicity. Review status: criteria provided, conflicting classifications (1 of 4 stars). 7 submissions from 7 submitters: Uncertain significance (2); Benign (1); Likely benign (4). Last evaluated 2026-05-01.

Conditions:
Inborn genetic diseases. Identifiers: MedGen C0950123, MeSH D030342.
Intellectual developmental disorder with autism and macrocephaly. Also called: Autism, susceptibility to, 18; CHD8-Related Neurodevelopmental Disorder with Overgrowth. Identifiers: Orphanet 642675, MedGen C3554373, MONDO:0014017, OMIM 615032.

Allele frequency attached by ClinVar (database versions not stated): gnomAD 0.00019 and 0.00020; TOPMed 0.00025; ExAC 0.00026; gnomAD exomes 0.00035; ESP Exome Variant Server 0.00041.
gnomAD v4.1: 339 of 1,600,722 alleles (0.021%); highest among the groups gnomAD compares: Middle Eastern, 0.05%; 1 homozygote.

Submissions (7):

CeGaT Center for Human Genetics Tuebingen
Classification: Likely benign. Last evaluated: 2026-05-01. Review status: criteria provided, single submitter. Criteria: CeGaT Center For Human Genetics Tuebingen Variant Classification Criteria Version 2. Collection method: clinical testing. Allele origin: germline. Affected: yes. Observed: 1 variant allele.
Comment: CHD8: BP4

Labcorp Genetics (formerly Invitae), Labcorp
Classification: Likely benign. Last evaluated: 2025-12-08. Review status: criteria provided, single submitter. Criteria: Invitae Variant Classification Sherloc (09022015). Collection method: clinical testing. Allele origin: germline.

Blueprint Genetics
Classification: Likely benign. Last evaluated: 2024-10-09. Review status: criteria provided, single submitter. Criteria: ACMG Guidelines, 2015. Collection method: clinical testing. Allele origin: germline.

Ambry Genetics
Classification: Likely benign for Inborn genetic diseases. Last evaluated: 2022-06-13. Review status: criteria provided, single submitter. Criteria: Ambry Variant Classification Scheme 2023. Collection method: clinical testing. Allele origin: germline.

Baylor Genetics
Classification: Uncertain significance for Intellectual developmental disorder with autism and macrocephaly. Last evaluated: 2019-09-06. Review status: criteria provided, single submitter. Criteria: ACMG Guidelines, 2015. Collection method: clinical testing. Allele origin: unknown. Affected: yes.
Comment: This variant was determined to be of uncertain significance according to ACMG Guidelines, 2015 [PMID:25741868].

GeneDx
Classification: Benign. Last evaluated: 2019-06-18. Review status: criteria provided, single submitter. Criteria: GeneDx Variant Classification Process June 2021. Collection method: clinical testing. Allele origin: germline. Affected: yes.

Eurofins Ntd Llc (ga)
Classification: Uncertain significance. Last evaluated: 2015-03-30. Review status: criteria provided, single submitter. Criteria: EGL Classification Definitions 2015. Collection method: clinical testing. Allele origin: germline. Observed: 1 variant allele, 1 heterozygote.